The following is an entry in ClinVar:

NM_014252.4(SLC25A15):c.277C>T (p.Arg93Trp)

Gene: SLC25A15 (solute carrier family 25 member 15; plus strand). Cytogenetic location: 13q14.11.
Variant type: single nucleotide variant.
Coding change: c.277C>T on transcript NM_014252.4 (MANE Select); coding-DNA position 277, C replaced by T.
Protein change: p.Arg93Trp; replaces arginine 93 with tryptophan.
Molecular consequence: missense variant. On other transcripts: non-coding transcript variant (2).
Genome position (GRCh38, 1-based): chr13:40,799,278, C>T. VCF-style: chr13-40799278-C-T. GRCh37 (hg19) VCF-style: chr13-41373414-C-T.
Other names: short protein forms R93W.
Identifiers: ClinVar variation 882076 (VCV000882076.14), dbSNP rs200014560, ClinGen allele CA6959663.
Genomic context (GRCh38, chr13:40,799,278, plus strand): 5'-GCCAACATCGCTGAGAACTCAGTCCTCTTCATGTGCTACGGCTTCTGCCAGCAGGTGGTG[C>T]GGAAAGTGGCTGGATTGGACAAGCAGGCAAAGCTGAGGTGAGTCAAGGACACACACTTTT-3'
Protein context (NP_055067.1, residues 83-103): MCYGFCQQVV[Arg93Trp]KVAGLDKQAK

ClinVar aggregate classification (germline): Uncertain significance. Review status: criteria provided, multiple submitters, no conflicts (2 of 4 stars). 6 submissions from 6 submitters: Uncertain significance (5). 1 of the submissions does not count toward it. Last evaluated 2024-10-10.

Conditions:
Inborn genetic diseases. Identifiers: MedGen C0950123, MeSH D030342.
Hyperornithinemia-hyperammonemia-homocitrullinuria syndrome (HHHS). Also called: HHH SYNDROME; Ornithine translocase deficiency. Identifiers: Orphanet 415, MedGen C0268540, MONDO:0009393, OMIM 238970.

Allele frequency attached by ClinVar (database versions not stated): gnomAD 0.00013 and 0.00015; TOPMed 0.00014; ESP Exome Variant Server 0.00015; gnomAD exomes 0.00020 and 0.00024; ExAC 0.00033.

Submissions (6):

Blueprint Genetics
Classification: Uncertain significance. Last evaluated: 2024-10-10. Review status: criteria provided, single submitter. Criteria: ACMG Guidelines, 2015. Collection method: clinical testing. Allele origin: germline.

Labcorp Genetics (formerly Invitae), Labcorp
Classification: Uncertain significance for Hyperornithinemia-hyperammonemia-homocitrullinuria syndrome. Last evaluated: 2024-05-20. Review status: criteria provided, single submitter. Criteria: Invitae Variant Classification Sherloc (09022015). Collection method: clinical testing. Allele origin: germline.
Comment: This sequence change replaces arginine, which is basic and polar, with tryptophan, which is neutral and slightly polar, at codon 93 of the SLC25A15 protein (p.Arg93Trp). This variant is present in population databases (rs200014560, gnomAD 0.04%). This variant has not been reported in the literature in individuals affected with SLC25A15-related conditions. ClinVar contains an entry for this variant (Variation ID: 882076). Advanced modeling of protein sequence and biophysical properties (such as structural, functional, and spatial information, amino acid conservation, physicochemical variation, residue mobility, and thermodynamic stability) performed at Invitae indicates that this missense variant is expected to disrupt SLC25A15 protein function with a positive predictive value of 80%. In summary, the available evidence is currently insufficient to determine the role of this variant in disease. Therefore, it has been classified as a Variant of Uncertain Significance.

Fulgent Genetics
Classification: Uncertain significance for Hyperornithinemia-hyperammonemia-homocitrullinuria syndrome. Last evaluated: 2024-03-14. Review status: criteria provided, single submitter. Criteria: ACMG Guidelines, 2015. Collection method: clinical testing. Allele origin: germline.

Ambry Genetics
Classification: Uncertain significance for Inborn genetic diseases. Last evaluated: 2021-08-04. Review status: criteria provided, single submitter. Criteria: Ambry Variant Classification Scheme 2023. Collection method: clinical testing. Allele origin: germline.

Illumina Laboratory Services, Illumina
Classification: Uncertain significance for Hyperornithinemia-hyperammonemia-homocitrullinuria syndrome. Last evaluated: 2018-01-13. Review status: criteria provided, single submitter. Criteria: ICSL Variant Classification Criteria 13 December 2019. Collection method: clinical testing. Allele origin: germline.

Natera, Inc.
Classification: Uncertain significance for Hyperornithinemia-hyperammonemia-homocitrullinuria syndrome. Last evaluated: 2020-01-15. Review status: no assertion criteria provided. Collection method: clinical testing. Allele origin: germline. Not counted in ClinVar's aggregate classification.